The following is an entry in ClinVar:

ClinVar aggregate classification (germline): Benign (0 of 4 stars; one submission).

Conditions:
XIRP2-related disorder. Also called: XIRP2-related condition.

Allele frequency attached by ClinVar (database versions not stated): gnomAD exomes 0.01740; ESP Exome Variant Server 0.01756; TOPMed 0.01896; gnomAD 0.01970; ExAC 0.02218; 1000 Genomes Project 0.02356; 1000 Genomes Project 30x 0.02420.
gnomAD v4.1: 28,488 of 1,613,454 alleles (1.8%); highest among the groups gnomAD compares: Middle Eastern, 6.6%; 493 homozygotes.

Submission:

PreventionGenetics, part of Exact Sciences
Classification: Benign for XIRP2-related condition. Last evaluated: 2019-03-01. Review status: no assertion criteria provided. Collection method: clinical testing. Allele origin: germline.
Comment: This variant is classified as benign based on ACMG/AMP sequence variant interpretation guidelines (Richards et al. 2015 PMID: 25741868, with internal and published modifications).

NM_152381.6(XIRP2):c.10130G>A (p.Gly3377Glu)

Gene: XIRP2 (xin actin binding repeat containing 2; plus strand). Cytogenetic location: 2q24.3.
Variant type: single nucleotide variant.
Coding change: c.10130G>A on transcript NM_152381.6 (MANE Select); coding-DNA position 10130, G replaced by A.
Protein change: p.Gly3377Glu; replaces glycine 3377 with glutamic acid.
Molecular consequence: missense variant. On other transcripts: intron variant (3).
Genome position (GRCh38, 1-based): chr2:167,251,522, G>A. VCF-style: chr2-167251522-G-A. GRCh37 (hg19) VCF-style: chr2-168108032-G-A.
Other names: c.9464G>A, p.Gly3155Glu (NM_001199144.2); c.1276-2510G>A (NM_001199143.2); c.1177-2510G>A (NM_001079810.4); c.511-2510G>A (NM_001199145.2); short protein forms G3155E, G3377E.
Identifiers: ClinVar variation 3041604 (VCV003041604.2), dbSNP rs16853333, ClinGen allele CA1948169.
Genomic context (GRCh38, chr2:167,251,522, plus strand): 5'-AGGGAGAAACAAACCATAACATACAACAAGAAAGTCGTACATTTTGTAAGGAGGAATTTG[G>A]ATTAACATCTTTAGGAAACACGAGTTTTACAGACTTTTCTTGCAAACATCCTAGAGAACT-3'
Protein context (NP_689594.4, residues 3367-3387): ESRTFCKEEF[Gly3377Glu]LTSLGNTSFT